The following is an entry in ClinVar:

NM_001174147.2(LMX1B):c.244C>T (p.Gln82Ter)

Gene: LMX1B (LIM homeobox transcription factor 1 beta; plus strand). Cytogenetic location: 9q33.3.
Variant type: single nucleotide variant.
Coding change: c.244C>T on transcript NM_001174147.2 (MANE Select); coding-DNA position 244, C replaced by T.
Protein change: p.Gln82Ter; replaces glutamine 82 with a stop codon.
Molecular consequence: nonsense.
Genome position (GRCh38, 1-based): chr9:126,615,487, C>T. VCF-style: chr9-126615487-C-T. GRCh37 (hg19) VCF-style: chr9-129377766-C-T.
Other names: Q59*; c.244C>T, p.Gln82Ter (NM_001174146.2, NM_002316.4); short protein forms Q82*.
Identifiers: ClinVar variation 7005 (VCV000007005.11), dbSNP rs121909489, ClinGen allele CA254051.

ClinVar aggregate classification (germline): Pathogenic. Review status: criteria provided, multiple submitters, no conflicts (2 of 4 stars). 4 submissions from 4 submitters: Pathogenic (3). 1 of the submissions does not count toward it. Last evaluated 2025-07-23.

Conditions:
Nail-patella syndrome (NPS). Also called: ONYCHOOSTEODYSPLASIA; FONG DISEASE; TURNER-KIESER SYNDROME. Identifiers: Orphanet 2614, MedGen C0027341, MONDO:0008061, OMIM 161200.
Nail-patella-like renal disease. Also called: GLOMERULAR BASEMENT MEMBRANE DISEASE, NAIL-PATELLA SYNDROME TYPE; Focal Segmental Glomerulosclerosis 10. Identifiers: Orphanet 2613, MedGen C0403548, MONDO:0009724, OMIM 256020.

Allele frequency attached by ClinVar (database versions not stated): TOPMed 0.00001.

Submissions (4):

Labcorp Genetics (formerly Invitae), Labcorp
Classification: Pathogenic. Last evaluated: 2025-07-23. Review status: criteria provided, single submitter. Criteria: Invitae Variant Classification Sherloc (09022015). Collection method: clinical testing. Allele origin: germline.
Comment: This sequence change creates a premature translational stop signal (p.Gln82*) in the LMX1B gene. It is expected to result in an absent or disrupted protein product. Loss-of-function variants in LMX1B are known to be pathogenic (PMID: 9590287, 15498463). This variant is not present in population databases (gnomAD no frequency). This premature translational stop signal has been observed in individual(s) with nail-patella syndrome (PMID: 9618165). It has also been observed to segregate with disease in related individuals. This variant is also known as p.Gln59Ter. ClinVar contains an entry for this variant (Variation ID: 7005). For these reasons, this variant has been classified as Pathogenic.

Fulgent Genetics
Classification: Pathogenic for Nail-patella syndrome; Nail-patella-like renal disease. Last evaluated: 2024-04-24. Review status: criteria provided, single submitter. Criteria: ACMG Guidelines, 2015. Collection method: clinical testing. Allele origin: germline.

GeneDx
Classification: Pathogenic. Last evaluated: 2019-01-11. Review status: criteria provided, single submitter. Criteria: GeneDx Variant Classification (06012015). Collection method: clinical testing. Allele origin: germline. Affected: yes.
Comment: The Q82X variant in the LMX1B gene has been reported previously, using alternate nomenclature as Gln59Ter, in multiple affected individuals from a large family with nail patella syndrome (Vollrath et al., 1998). This variant is predicted to cause loss of normal protein function either through protein truncation or nonsense-mediated mRNA decay. The Q82X variant is not observed in large population cohorts (Lek et al., 2016). We interpret Q82X as a pathogenic variant.

OMIM
Classification: Pathogenic for NAIL-PATELLA SYNDROME. Last evaluated: 1998-07-01. Review status: no assertion criteria provided. Collection method: literature only. Allele origin: germline. Not counted in ClinVar's aggregate classification.

Literature cited by the submitters: PubMed 9590287 (cited by Labcorp Genetics (formerly Invitae), Labcorp); PubMed 15498463 (cited by Labcorp Genetics (formerly Invitae), Labcorp); PubMed 9618165 (cited by Labcorp Genetics (formerly Invitae), Labcorp and OMIM).